The following is an entry in ClinVar:

ClinVar aggregate classification (germline): Pathogenic (1 of 4 stars; one submission).

Conditions:
Telangiectasia, hereditary hemorrhagic, type 2 (HHT2). Also called: ACVRL1-Related Hereditary Hemorrhagic Telangiectasia; Telangiectasia, hereditary hemorrhagic, type II. Identifiers: Orphanet 774, MedGen C1838163, MONDO:0010880, OMIM 600376. Disease mechanism: loss of function.

Submission:

Labcorp Genetics (formerly Invitae), Labcorp
Classification: Pathogenic for Telangiectasia, hereditary hemorrhagic, type 2. Last evaluated: 2018-12-07. Review status: criteria provided, single submitter. Criteria: Invitae Variant Classification Sherloc (09022015). Collection method: clinical testing. Allele origin: germline.
Comment: This sequence change creates a premature translational stop signal (p.Cys46Leufs*130) in the ACVRL1 gene. It is expected to result in an absent or disrupted protein product. This variant is not present in population databases (ExAC no frequency). This variant has not been reported in the literature in individuals with ACVRL1-related conditions. Loss-of-function variants in ACVRL1 are known to be pathogenic (PMID: 15879500). For these reasons, this variant has been classified as Pathogenic.

Literature cited by the submitters: PubMed 15879500.

NM_000020.3(ACVRL1):c.131_132insCACA (p.Cys46fs)

Gene: ACVRL1 (activin A receptor like type 1; plus strand). Cytogenetic location: 12q13.13.
Variant type: Insertion.
Coding change: c.131_132insCACA on transcript NM_000020.3 (MANE Select); coding-DNA positions 131 to 132, CACA inserted.
Protein change: p.Cys46fs; shifts the reading frame from cysteine 46.
Molecular consequence: frameshift variant.
Genome position: GRCh38 VCF-style: chr12-51913168-C-CCACA. GRCh37 (hg19) VCF-style: chr12-52306952-C-CCACA.
Other names: c.131_132insCACA, p.Cys46fs (NM_001077401.2); short protein forms C46fs.
Identifiers: ClinVar variation 1074142 (VCV001074142.2), dbSNP rs2139064649, ClinGen allele CA2499221744.